The following is an entry in ClinVar:

NM_017780.4(CHD7):c.5765G>A (p.Arg1922His)

Gene: CHD7 (chromodomain helicase DNA binding protein 7; plus strand). Cytogenetic location: 8q12.2.
Variant type: single nucleotide variant.
Coding change: c.5765G>A on transcript NM_017780.4 (MANE Select); coding-DNA position 5765, G replaced by A.
Protein change: p.Arg1922His; replaces arginine 1922 with histidine.
Molecular consequence: missense variant. On other transcripts: intron variant (1).
Genome position (GRCh38, 1-based): chr8:60,852,118, G>A. VCF-style: chr8-60852118-G-A. GRCh37 (hg19) VCF-style: chr8-61764677-G-A.
Other names: c.1717-10111G>A (NM_001316690.1); short protein forms R1922H.
Identifiers: ClinVar variation 2429265 (VCV002429265.6), dbSNP rs1415922203, ClinGen allele CA371322732.

ClinVar aggregate classification (germline): Conflicting classifications of pathogenicity. Review status: criteria provided, conflicting classifications (1 of 4 stars). 2 submissions from 2 submitters: Uncertain significance (1); Likely benign (1). Last evaluated 2024-06-09.

Conditions:
CHARGE syndrome (CHARGE). Also called: Hittner Hirsch Kreh syndrome; CHARGE ASSOCIATION--COLOBOMA, HEART ANOMALY, CHOANAL ATRESIA, RETARDATION, GENITAL AND EAR ANOMALIES; Coloboma, heart anomaly, choanal atresia, retardation, genital and ear anomalies; CHARGE association; Hall-Hittner syndrome. Identifiers: Orphanet 138, MedGen C0265354, MONDO:0008965.

Allele frequency attached by ClinVar (database versions not stated): TOPMed below 0.00001; gnomAD exomes 0.00001.
gnomAD v4.1: 15 of 1,613,990 alleles (0.00093%); highest among the groups gnomAD compares: South Asian, 0.0022%; no homozygotes.

Submissions (2):

Labcorp Genetics (formerly Invitae), Labcorp
Classification: Likely benign for CHARGE syndrome. Last evaluated: 2024-06-09. Review status: criteria provided, single submitter. Criteria: Invitae Variant Classification Sherloc (09022015). Collection method: clinical testing. Allele origin: germline.

Women's Health and Genetics/Laboratory Corporation of America, LabCorp
Classification: Uncertain significance. Last evaluated: 2023-01-05. Review status: criteria provided, single submitter. Criteria: LabCorp Variant Classification Summary - May 2015. Collection method: clinical testing. Allele origin: germline.
Comment: Variant summary: CHD7 c.5765G>A (p.Arg1922His) results in a non-conservative amino acid change in the encoded protein sequence. Five of five in-silico tools predict a damaging effect of the variant on protein function. The variant allele was found at a frequency of 8e-06 in 248760 control chromosomes (gnomAD). The available data on variant occurrences in the general population are insufficient to allow any conclusion about variant significance. To our knowledge, no occurrence of c.5765G>A in individuals affected with Hypogonadotropic Hypogonadism 5 With Or Without Anosmia and no experimental evidence demonstrating its impact on protein function have been reported. No clinical diagnostic laboratories have submitted clinical-significance assessments for this variant to ClinVar after 2014. Based on the evidence outlined above, the variant was classified as uncertain significance.